The following is an entry in ClinVar:

NM_001008537.3(NEXMIF):c.2835C>A (p.Cys945Ter)

Gene: NEXMIF (neurite extension and migration factor; minus strand). Cytogenetic location: Xq13.3.
Variant type: single nucleotide variant.
Coding change: c.2835C>A on transcript NM_001008537.3 (MANE Select); coding-DNA position 2835, C replaced by A.
Protein change: p.Cys945Ter; replaces cysteine 945 with a stop codon.
Molecular consequence: nonsense.
Genome position (GRCh38, 1-based): chrX:74,741,722, G>T on the plus strand (C>A on the coding strand, the complement: NEXMIF is on the minus strand). VCF-style: chrX-74741722-G-T. GRCh37 (hg19) VCF-style: chrX-73961557-G-T.
Other names: short protein forms C945*.
Identifiers: ClinVar variation 1432127 (VCV001432127.6), dbSNP rs2080104883, ClinGen allele CA413667328.
Genomic context (GRCh38, chrX:74,741,722, plus strand): 5'-TTGGTAAGAGTCATCAGATGGGAGTTGGGTATCTTGCATGGAGTCATACAGGACCTTGTT[G>T]CAATTACTGCCACCACTATTGAGACAGATTGGATTGTATGTTGTAGGTGTGAGGTTATTT-3'

ClinVar aggregate classification (germline): Pathogenic (1 of 4 stars; one submission).

Submission:

Labcorp Genetics (formerly Invitae), Labcorp
Classification: Pathogenic. Last evaluated: 2022-02-03. Review status: criteria provided, single submitter. Criteria: Invitae Variant Classification Sherloc (09022015). Collection method: clinical testing. Allele origin: germline.
Comment: This sequence change creates a premature translational stop signal (p.Cys945*) in the NEXMIF gene. It is expected to result in an absent or disrupted protein product. Loss-of-function variants in NEXMIF are known to be pathogenic (PMID: 23615299). This variant is not present in population databases (gnomAD no frequency). For these reasons, this variant has been classified as Pathogenic. This variant has not been reported in the literature in individuals affected with NEXMIF-related conditions.

Literature cited by the submitters: PubMed 23615299.